The following is an entry in ClinVar:

ClinVar aggregate classification (germline): Uncertain significance (1 of 4 stars; one submission).

Conditions:
Progressive microcephaly-seizures-cortical blindness-developmental delay syndrome. Also called: Seizures, cortical blindness, and microcephaly syndrome. Identifiers: Orphanet 477814, MedGen C5567650, MONDO:0014714, OMIM 616632.
Autosomal dominant nonsyndromic hearing loss 1. Also called: DEAFNESS, AUTOSOMAL DOMINANT 1, WITH OR WITHOUT THROMBOCYTOPENIA; KONIGSMARK SYNDROME. Identifiers: Orphanet 90635, MedGen C1852282, MONDO:0007424, OMIM 124900.

Allele frequency attached by ClinVar (database versions not stated): gnomAD 0.00001; gnomAD exomes 0.00002; ExAC 0.00004; 1000 Genomes Project 30x 0.00016; 1000 Genomes Project 0.00020.
gnomAD v4.1: 35 of 1,613,046 alleles (0.0022%); highest among the groups gnomAD compares: East Asian, 0.0067%; 1 homozygote.

Submission:

Labcorp Genetics (formerly Invitae), Labcorp
Classification: Uncertain significance for Progressive microcephaly-seizures-cortical blindness-developmental delay syndrome; Autosomal dominant nonsyndromic hearing loss 1. Last evaluated: 2025-06-17. Review status: criteria provided, single submitter. Criteria: Invitae Variant Classification Sherloc (09022015). Collection method: clinical testing. Allele origin: germline.
Comment: This sequence change replaces arginine, which is basic and polar, with glutamine, which is neutral and polar, at codon 351 of the DIAPH1 protein (p.Arg351Gln). This variant is present in population databases (rs201545942, gnomAD 0.004%). This variant has not been reported in the literature in individuals affected with DIAPH1-related conditions. ClinVar contains an entry for this variant (Variation ID: 2925022). Experimental studies and prediction algorithms are not available or were not evaluated, and the functional significance of this variant is currently unknown. In summary, the available evidence is currently insufficient to determine the role of this variant in disease. Therefore, it has been classified as a Variant of Uncertain Significance.

NM_005219.5(DIAPH1):c.1052G>A (p.Arg351Gln)

Gene: DIAPH1 (diaphanous related formin 1; minus strand). Cytogenetic location: 5q31.3.
Variant type: single nucleotide variant.
Coding change: c.1052G>A on transcript NM_005219.5 (MANE Select); coding-DNA position 1052, G replaced by A.
Protein change: p.Arg351Gln; replaces arginine 351 with glutamine.
Molecular consequence: missense variant.
Genome position (GRCh38, 1-based): chr5:141,578,336, C>T on the plus strand (G>A on the coding strand, the complement: DIAPH1 is on the minus strand). VCF-style: chr5-141578336-C-T. GRCh37 (hg19) VCF-style: chr5-140957903-C-T.
Other names: c.1025G>A, p.Arg342Gln (NM_001079812.3); c.1052G>A, p.Arg351Gln (NM_001314007.2); short protein forms R342Q, R351Q.
Identifiers: ClinVar variation 2925022 (VCV002925022.3), dbSNP rs201545942, ClinGen allele CA3479395.